The following is an entry in ClinVar:

NM_001385641.1(SAMD11):c.1732C>T (p.Pro578Ser)

Gene: SAMD11 (sterile alpha motif domain containing 11; plus strand). Cytogenetic location: 1p36.33.
Variant type: single nucleotide variant.
Coding change: c.1732C>T on transcript NM_001385641.1 (MANE Select); coding-DNA position 1732, C replaced by T.
Protein change: p.Pro578Ser; replaces proline 578 with serine.
Molecular consequence: missense variant.
Genome position (GRCh38, 1-based): chr1:942,737, C>T. VCF-style: chr1-942737-C-T. GRCh37 (hg19) VCF-style: chr1-878117-C-T.
Other names: c.1735C>T, p.Pro579Ser (NM_001385640.1); c.1243C>T, p.Pro415Ser (NM_152486.4); short protein forms P579S, P415S, P578S.
Identifiers: ClinVar variation 4765583 (VCV004765583.1).

ClinVar aggregate classification (germline): Uncertain significance (1 of 4 stars; one submission).

gnomAD v4.1: 9 of 1,473,524 alleles (0.00061%); highest among the groups gnomAD compares: Non-Finnish European, 0.0008%; no homozygotes.

Submission:

Labcorp Genetics (formerly Invitae), Labcorp
Classification: Uncertain significance. Last evaluated: 2026-01-12. Review status: criteria provided, single submitter. Criteria: Invitae Variant Classification Sherloc (09022015). Collection method: clinical testing. Allele origin: germline.
Comment: This sequence change replaces proline, which is neutral and non-polar, with serine, which is neutral and polar, at codon 415 of the SAMD11 protein (p.Pro415Ser). This variant is not present in population databases (gnomAD no frequency). This variant has not been reported in the literature in individuals affected with SAMD11-related conditions. An algorithm developed to predict the effect of missense changes on protein structure and function (PolyPhen-2) suggests that this variant is likely to be tolerated. In summary, the available evidence is currently insufficient to determine the role of this variant in disease. Therefore, it has been classified as a Variant of Uncertain Significance.